The following is an entry in ClinVar:

NM_014014.5(SNRNP200):c.343G>A (p.Val115Met)

Gene: SNRNP200 (small nuclear ribonucleoprotein U5 subunit 200; minus strand). Cytogenetic location: 2q11.2.
Variant type: single nucleotide variant.
Coding change: c.343G>A on transcript NM_014014.5 (MANE Select); coding-DNA position 343, G replaced by A.
Protein change: p.Val115Met; replaces valine 115 with methionine.
Molecular consequence: missense variant.
Genome position (GRCh38, 1-based): chr2:96,303,197, C>T on the plus strand (G>A on the coding strand, the complement: SNRNP200 is on the minus strand). VCF-style: chr2-96303197-C-T. GRCh37 (hg19) VCF-style: chr2-96968935-C-T.
Other names: short protein forms V115M.
Identifiers: ClinVar variation 960885 (VCV000960885.9), dbSNP rs1473759538, ClinGen allele CA347688719.
Genomic context (GRCh38, chr2:96,303,197, plus strand): 5'-TATTTCACAATATCACACTCACCTGGTCCCCAAGAGCAGCCTGGATGAAGCTGAGTAGCA[C>T]CTCATAGGTCTCCCGAGTCTCTTTAGTTTTGGGCTTGTAGATGATGCCCACCATCTCATC-3'
Protein context (NP_054733.2, residues 105-125): KTKETRETYE[Val115Met]LLSFIQAALG

ClinVar aggregate classification (germline): Uncertain significance (1 of 4 stars; one submission).

Allele frequency attached by ClinVar (database versions not stated): gnomAD exomes below 0.00001.
gnomAD v4.1: 2 of 1,614,192 alleles (0.00012%); highest among the groups gnomAD compares: Non-Finnish European, 0.00017%; no homozygotes.

Submission:

Labcorp Genetics (formerly Invitae), Labcorp
Classification: Uncertain significance. Last evaluated: 2022-02-25. Review status: criteria provided, single submitter. Criteria: Invitae Variant Classification Sherloc (09022015). Collection method: clinical testing. Allele origin: germline.
Comment: This sequence change replaces valine, which is neutral and non-polar, with methionine, which is neutral and non-polar, at codon 115 of the SNRNP200 protein (p.Val115Met). This variant is present in population databases (no rsID available, gnomAD 0.0009%). This variant has not been reported in the literature in individuals affected with SNRNP200-related conditions. ClinVar contains an entry for this variant (Variation ID: 960885). Algorithms developed to predict the effect of missense changes on protein structure and function (SIFT, PolyPhen-2, Align-GVGD) all suggest that this variant is likely to be tolerated. In summary, the available evidence is currently insufficient to determine the role of this variant in disease. Therefore, it has been classified as a Variant of Uncertain Significance.